The following is an entry in ClinVar:

ClinVar aggregate classification (germline): Uncertain significance. Review status: criteria provided, multiple submitters, no conflicts (2 of 4 stars). 2 submissions from 2 submitters: Uncertain significance (2). Last evaluated 2026-02-18.

Conditions:
Cardiovascular phenotype. Identifiers: MedGen CN230736.
Familial thoracic aortic aneurysm and aortic dissection (TAAD). Also called: Thoracic aortic aneurysms and dissections. Identifiers: Orphanet 91387, MedGen C4707243, MONDO:0019625.

Allele frequency attached by ClinVar (database versions not stated): gnomAD exomes 0.00002; ExAC 0.00003; TOPMed 0.00009; ESP Exome Variant Server 0.00015.
gnomAD v4.1: 27 of 1,606,082 alleles (0.0017%); highest among the groups gnomAD compares: African/African-American, 0.031%; no homozygotes.

Submissions (2):

Ambry Genetics
Classification: Uncertain significance for Cardiovascular phenotype. Last evaluated: 2026-02-18. Review status: criteria provided, single submitter. Criteria: Ambry Variant Classification Scheme 2023. Collection method: clinical testing. Allele origin: germline.
Comment: The p.A11V variant (also known as c.32C>T), located in coding exon 1 of the MAT2A gene, results from a C to T substitution at nucleotide position 32. The alanine at codon 11 is replaced by valine, an amino acid with similar properties. This amino acid position is not well conserved in available vertebrate species. In addition, the in silico prediction for this alteration is inconclusive. Based on the available evidence, the clinical significance of this variant remains unclear.

Labcorp Genetics (formerly Invitae), Labcorp
Classification: Uncertain significance for Familial thoracic aortic aneurysm and aortic dissection. Last evaluated: 2025-12-21. Review status: criteria provided, single submitter. Criteria: Invitae Variant Classification Sherloc (09022015). Collection method: clinical testing. Allele origin: germline.
Comment: This sequence change replaces alanine, which is neutral and non-polar, with valine, which is neutral and non-polar, at codon 11 of the MAT2A protein (p.Ala11Val). This variant is present in population databases (rs139547506, gnomAD 0.02%). This variant has not been reported in the literature in individuals affected with MAT2A-related conditions. ClinVar contains an entry for this variant (Variation ID: 658008). An algorithm developed to predict the effect of missense changes on protein structure and function (PolyPhen-2) suggests that this variant is likely to be tolerated. In summary, the available evidence is currently insufficient to determine the role of this variant in disease. Therefore, it has been classified as a Variant of Uncertain Significance.

NM_005911.6(MAT2A):c.32C>T (p.Ala11Val)

Gene: MAT2A (methionine adenosyltransferase 2A; plus strand). Cytogenetic location: 2p11.2.
Variant type: single nucleotide variant.
Coding change: c.32C>T on transcript NM_005911.6 (MANE Select); coding-DNA position 32, C replaced by T.
Protein change: p.Ala11Val; replaces alanine 11 with valine.
Molecular consequence: missense variant.
Genome position (GRCh38, 1-based): chr2:85,539,319, C>T. VCF-style: chr2-85539319-C-T. GRCh37 (hg19) VCF-style: chr2-85766442-C-T.
Other names: short protein forms A11V.
Identifiers: ClinVar variation 658008 (VCV000658008.9), dbSNP rs139547506, ClinGen allele CA1741271.